The following is an entry in ClinVar:

NM_001267550.2(TTN):c.95998A>G (p.Ile32000Val)

Genes: TTN (titin; minus strand), TTN-AS1 (TTN antisense RNA 1; plus strand). Cytogenetic location: 2q31.2.
Variant type: single nucleotide variant.
Coding change: c.95998A>G on transcript NM_001267550.2 (MANE Select); coding-DNA position 95998, A replaced by G.
Protein change: p.Ile32000Val; replaces isoleucine 32000 with valine.
Molecular consequence: missense variant.
Genome position (GRCh38, 1-based): chr2:178,544,231, T>C on the plus strand (A>G on the coding strand, the complement: TTN is on the minus strand). VCF-style: chr2-178544231-T-C. GRCh37 (hg19) VCF-style: chr2-179408958-T-C.
Other names: c.91075A>G, p.Ile30359Val (NM_001256850.1); c.68803A>G, p.Ile22935Val (NM_003319.4); c.88294A>G, p.Ile29432Val (NM_133378.4); c.69178A>G, p.Ile23060Val (NM_133432.3); c.69379A>G, p.Ile23127Val (NM_133437.4); short protein forms I22935V, I23060V, I23127V, I29432V, I30359V, I32000V.
Identifiers: ClinVar variation 4872156 (VCV004872156.2).

ClinVar aggregate classification (germline): Uncertain significance (1 of 4 stars; one submission).

gnomAD v4.1: 19 of 1,613,360 alleles (0.0012%); highest among the groups gnomAD compares: Middle Eastern, 0.016%; no homozygotes.

Submission:

CeGaT Center for Human Genetics Tuebingen
Classification: Uncertain significance. Last evaluated: 2026-06-01. Review status: criteria provided, single submitter. Criteria: CeGaT Center For Human Genetics Tuebingen Variant Classification Criteria Version 2. Collection method: clinical testing. Allele origin: germline. Affected: yes. Observed: 1 variant allele.
Comment: TTN: PM2, BP4